The following is an entry in ClinVar:

NM_025003.5(ADAMTS20):c.354G>A (p.Glu118=)

Gene: ADAMTS20 (ADAM metallopeptidase with thrombospondin type 1 motif 20; minus strand). Cytogenetic location: 12q12.
Variant type: single nucleotide variant.
Coding change: c.354G>A on transcript NM_025003.5 (MANE Select); coding-DNA position 354, G replaced by A.
Protein change: p.Glu118=; no amino-acid change (glutamic acid 118 retained).
Molecular consequence: synonymous variant.
Genome position (GRCh38, 1-based): chr12:43,551,008, C>T on the plus strand (G>A on the coding strand, the complement: ADAMTS20 is on the minus strand). VCF-style: chr12-43551008-C-T. GRCh37 (hg19) VCF-style: chr12-43944811-C-T.
Other names: c.354G>A, p.Glu118= (NM_001077205.1).
Identifiers: ClinVar variation 2642905 (VCV002642905.24), dbSNP rs149358464, ClinGen allele CA6521640.

ClinVar aggregate classification (germline): Likely benign (1 of 4 stars; one submission).

Allele frequency attached by ClinVar (database versions not stated): 1000 Genomes Project 30x 0.00375; 1000 Genomes Project 0.00379; TOPMed 0.00479; ESP Exome Variant Server 0.00623; ExAC 0.00629.
gnomAD v4.1: 10,067 of 1,613,508 alleles (0.62%); highest among the groups gnomAD compares: Middle Eastern, 0.81%; 47 homozygotes.

Submission:

CeGaT Center for Human Genetics Tuebingen
Classification: Likely benign. Last evaluated: 2023-03-01. Review status: criteria provided, single submitter. Criteria: CeGaT Center For Human Genetics Tuebingen Variant Classification Criteria Version 2. Collection method: clinical testing. Allele origin: germline. Affected: yes. Observed: 1 variant allele.
Comment: ADAMTS20: BP4, BP7, BS2